The following is an entry in ClinVar:

ClinVar aggregate classification (germline): Pathogenic/Likely pathogenic. Review status: criteria provided, multiple submitters, no conflicts (2 of 4 stars). 2 submissions from 2 submitters: Pathogenic (1); Likely pathogenic (1). Last evaluated 2025-03-17.

Conditions:
CRX-related disorders.
Cone-rod dystrophy 2 (CORD2). Also called: CONE-ROD RETINAL DYSTROPHY; Cone-rod retinal dystrophy 2. Identifiers: Orphanet 1872, MedGen C3489532, MONDO:0007362, OMIM 120970.
Leber congenital amaurosis 7 (LCA7). Identifiers: Orphanet 65, MedGen C3151192, MONDO:0013449, OMIM 613829.

Submissions (2):

Labcorp Genetics (formerly Invitae), Labcorp
Classification: Pathogenic for Cone-rod dystrophy 2; Leber congenital amaurosis 7. Last evaluated: 2025-03-17. Review status: criteria provided, single submitter. Criteria: Invitae Variant Classification Sherloc (09022015). Collection method: clinical testing. Allele origin: germline.
Comment: This sequence change creates a premature translational stop signal (p.Ser167*) in the CRX gene. While this is not anticipated to result in nonsense mediated decay, it is expected to disrupt the last 133 amino acid(s) of the CRX protein. This variant is not present in population databases (gnomAD no frequency). This premature translational stop signal has been observed in individuals with autosomal dominant CRX-related conditions (PMID: 29641573, 31626798, 31630094, 32865313). ClinVar contains an entry for this variant (Variation ID: 2942007). For these reasons, this variant has been classified as Pathogenic.

Blueprint Genetics
Classification: Likely pathogenic for CRX-related disorders. Last evaluated: 2019-11-07. Review status: criteria provided, single submitter. Criteria: ACMG Guidelines, 2015. Collection method: clinical testing. Allele origin: germline. Affected: yes. Observed: 2 variant alleles.

Literature cited by the submitters: PubMed 29641573 (cited by Labcorp Genetics (formerly Invitae), Labcorp); PubMed 31626798 (cited by Labcorp Genetics (formerly Invitae), Labcorp); PubMed 31630094 (cited by Labcorp Genetics (formerly Invitae), Labcorp); PubMed 32865313 (cited by Labcorp Genetics (formerly Invitae), Labcorp).

NM_000554.6(CRX):c.500del (p.Ala166_Ser167insTer)

Gene: CRX (cone-rod homeobox; plus strand). Cytogenetic location: 19q13.33.
Variant type: Deletion.
Coding change: c.500del on transcript NM_000554.6 (MANE Select); coding-DNA position 500, one base deleted (C; older notation c.500delC).
Protein change: p.Ala166_Ser167insTer.
Molecular consequence: nonsense.
Genome position (GRCh38, 1-based): chr19:47,839,567, C deleted. VCF-style (leftmost placement, unchanged base first): chr19-47839566-TC-T. GRCh37 (hg19) VCF-style: chr19-48342823-TC-T.
Identifiers: ClinVar variation 2942007 (VCV002942007.4), dbSNP rs2514256113, ClinGen allele CA2740096946.